The following continues an entry in ClinVar:

NM_000179.3(MSH6):c.3013C>T (p.Arg1005Ter)

Gene: MSH6. ClinVar aggregate classification (germline): Pathogenic. Pathogenic (1).

Submissions 12 to 24 of 24:

Neuberg Centre For Genomic Medicine, NCGM
Classification: Pathogenic for Lynch syndrome 5. Last evaluated: 2023-03-01. Review status: criteria provided, single submitter. Criteria: ACMG Guidelines, 2015. Collection method: clinical testing. Allele origin: germline. Inheritance: Autosomal dominant inheritance. Affected: yes. Not counted in ClinVar's aggregate classification.
Comment: The stop gained variant c.3013C>T(p.Arg1005Ter) in MSH6 gene has been reported in heterozygous state in mutliple individuals with hereditary non-polyposis colon cancer (HNPCC)/Lynch syndrome (Adachi M, et al., 2017). The variant has 0.0005% allele frequency in gnomAD Exomes and is novel (not in any individuals) in 1000 Genomes. This variant has been reported to the ClinVar database as Pathogenic (multiple submissions). This variant is predicted to cause loss of normal protein function through protein truncation. Loss of function variants have been previously reported to be disease causing (Thompson BA, et al., 2014). For these reasons, this variant has been classified as Pathogenic.

Revvity Omics, Revvity
Classification: Pathogenic. Last evaluated: 2022-03-02. Review status: criteria provided, single submitter. Criteria: ACMG Guidelines, 2015. Collection method: clinical testing. Allele origin: germline. Not counted in ClinVar's aggregate classification.

Baylor Genetics
Classification: Pathogenic for Endometrial carcinoma. Last evaluated: 2021-06-30. Review status: criteria provided, single submitter. Criteria: ACMG Guidelines, 2015. Collection method: clinical testing. Allele origin: unknown. Not counted in ClinVar's aggregate classification.

Women's Health and Genetics/Laboratory Corporation of America, LabCorp
Classification: Pathogenic for Hereditary nonpolyposis colon cancer. Last evaluated: 2020-10-15. Review status: criteria provided, single submitter. Criteria: LabCorp Variant Classification Summary - May 2015. Collection method: clinical testing. Allele origin: germline. Not counted in ClinVar's aggregate classification.
Comment: Variant summary: MSH6 c.3013C>T (p.Arg1005X) results in a premature termination codon, predicted to cause a truncation of the encoded protein or absence of the protein due to nonsense mediated decay, which are commonly known mechanisms for disease. Truncations downstream of this position have been classified as pathogenic by our laboratory. The variant allele was found at a frequency of 4.8e-06 in 209220 control chromosomes (gnomAD). c.3013C>T has been reported in the literature in multiple individuals affected with colorectal cancer and Lynch syndrome (Plaschke_2004, Castillejo_2011, DeLellis_2013, Adachi_2016). These data indicate that the variant is very likely to be associated with disease. To our knowledge, no experimental evidence demonstrating an impact on protein function has been reported. Eight ClinVar submitters (evaluation after 2014) cite the variant as pathogenic. Based on the evidence outlined above, the variant was classified as pathogenic

Color Diagnostics, LLC DBA Color Health
Classification: Pathogenic for Hereditary cancer-predisposing syndrome. Last evaluated: 2020-01-15. Review status: criteria provided, single submitter. Criteria: ACMG Guidelines, 2015. Collection method: clinical testing. Allele origin: germline. Not counted in ClinVar's aggregate classification.
Comment: This variant changes 1 nucleotide in exon 4 of the MSH6 gene, creating a premature translation stop signal. This variant is expected to result in an absent or non-functional protein product. This variant has been identified in 1/209220 chromosomes in the general population by the Genome Aggregation Database (gnomAD). Loss of MSH6 function is a known mechanism of disease. Based on the available evidence, this variant is classified as Pathogenic.

Laboratory for Molecular Medicine, Mass General Brigham Personalized Medicine
Classification: Pathogenic for Lynch syndrome. Last evaluated: 2019-10-14. Review status: criteria provided, single submitter. Criteria: ACMG Guidelines, 2015. Collection method: clinical testing. Allele origin: germline. Not counted in ClinVar's aggregate classification.
Comment: The p.Arg1005X variant in MSH6 has been previously reported in 5 individuals with colorectal cancer, 1 individual with endometrial cancer, 1 individual with multiple colorectal adenomas, and 2 individuals with Lynch syndrome, and segregated with disease in 2 affected relatives from 1 family (Colley 2005, Castillejo 2011, Plaschke 2004, De Lellis2013, Goodfellows 2015, Adachi 2017, Pan 2019, Keranen 2018, Tanskanen 2013). It has also been identified in 1/99286 of European chromosomes by gnomAD. This variant was classified as Pathogenic on September 5, 2013 by the ClinGen-approved InSiGHT expert panel (Variation ID 89330). This nonsense variant leads to a premature termination codon at position 1005, which is predicted to lead to a truncated or absent protein. Heterozygous loss of function of the MSH6 gene is an established disease mechanism in individuals with Lynch syndrome. In summary, this variant meets criteria to be classified as pathogenic for autosomal dominant Lynch syndrome. ACMG/AMP criteria applied: PVS1, PM2, PS4_Moderate.

Genome Diagnostics Laboratory, University Medical Center Utrecht
Classification: Pathogenic for Lynch syndrome 5. Last evaluated: 2017-07-28. Review status: criteria provided, single submitter. Criteria: ACGS Guidelines, 2013. Collection method: clinical testing. Allele origin: germline. Affected: yes. Study: VKGL Data-share Consensus. Not counted in ClinVar's aggregate classification.

Clinical Genetics DNA and cytogenetics Diagnostics Lab, Erasmus MC, Erasmus Medical Center
Classification: Pathogenic for Lynch syndrome 5. Last evaluated: 2015-09-21. Review status: criteria provided, single submitter. Criteria: ACGS Guidelines, 2013. Collection method: clinical testing. Allele origin: germline. Affected: yes. Study: VKGL Data-share Consensus. Not counted in ClinVar's aggregate classification.

Quest Diagnostics Nichols Institute San Juan Capistrano
Classification: Pathogenic. Last evaluated: 2015-05-08. Review status: criteria provided, single submitter. Criteria: Quest Diagnostics criteria. Collection method: clinical testing. Allele origin: germline. Not counted in ClinVar's aggregate classification.

Clinical Genetics and Genomics, Karolinska University Hospital
Classification: Pathogenic. Last evaluated: 2014-07-10. Review status: criteria provided, single submitter. Criteria: ACMG Guidelines, 2015. Collection method: clinical testing. Allele origin: germline. Affected: yes. Observed: 1 variant allele. Not counted in ClinVar's aggregate classification.

deCODE genetics, Amgen
Classification: Likely pathogenic for Lynch syndrome 5. Last evaluated: 2023-07-21. Review status: no assertion criteria provided. Collection method: research. Allele origin: germline. Affected: yes. Observed: 1 variant allele. Not counted in ClinVar's aggregate classification.
Comment: The variant NM_000179.3:c.3013C>T (chr2:47800996) in MSH6 was detected in 1 heterozygote out of 58K WGS Icelanders (MAF= 0,001%). This variant has been reported in ClinVar previously as pathogenic. Based on ACMG criteria (PVS1, PM2) this variant classifies as likely pathogenic.

Joint Genome Diagnostic Labs from Nijmegen and Maastricht, Radboudumc and MUMC+
Classification: Pathogenic. Review status: no assertion criteria provided. Collection method: clinical testing. Allele origin: germline. Affected: yes. Study: VKGL Data-share Consensus. Not counted in ClinVar's aggregate classification.

Mayo Clinic Laboratories, Mayo Clinic
Classification: Pathogenic. Review status: no assertion criteria provided. Collection method: research. Allele origin: unknown. Observed: 1 variant allele. Not counted in ClinVar's aggregate classification.

Literature cited by the submitters: PubMed 15483016 (cited by 5 submitters); PubMed 21247423 (cited by 6 submitters); PubMed 24278394 (cited by 3 submitters); PubMed 27928858 (cited by 5 submitters); PubMed 30572730 (cited by Ambry Genetics); PubMed 32642664 (cited by Ambry Genetics and Department of Clinical Genetics, Copenhagen University Hospital, Rigshospitalet); PubMed 32660107 (cited by Ambry Genetics); PubMed 18269114 (cited by Labcorp Genetics (formerly Invitae), Labcorp); PubMed 24362816 (cited by Labcorp Genetics (formerly Invitae), Labcorp); PubMed 23544471 (cited by Labcorp Genetics (formerly Invitae), Labcorp); PubMed 26552419 (cited by Labcorp Genetics (formerly Invitae), Labcorp and Laboratory for Molecular Medicine, Mass General Brigham Personalized Medicine); PubMed 28944238 (cited by Labcorp Genetics (formerly Invitae), Labcorp); PubMed 29130549 (cited by All of Us Research Program, National Institutes of Health); PubMed 16010685 (cited by Women's Health and Genetics/Laboratory Corporation of America, LabCorp and Laboratory for Molecular Medicine, Mass General Brigham Personalized Medicine); PubMed 30835354 (cited by Laboratory for Molecular Medicine, Mass General Brigham Personalized Medicine).